The following is an entry in ClinVar:

NM_001556.3(IKBKB):c.157C>T (p.Arg53Trp)

Gene: IKBKB (inhibitor of nuclear factor kappa B kinase subunit beta; plus strand). Cytogenetic location: 8p11.21.
Variant type: single nucleotide variant.
Coding change: c.157C>T on transcript NM_001556.3 (MANE Select); coding-DNA position 157, C replaced by T.
Protein change: p.Arg53Trp; replaces arginine 53 with tryptophan.
Molecular consequence: missense variant. On other transcripts: 5 prime UTR variant (1), non-coding transcript variant (3), intron variant (1).
Genome position (GRCh38, 1-based): chr8:42,288,685, C>T. VCF-style: chr8-42288685-C-T. GRCh37 (hg19) VCF-style: chr8-42146203-C-T.
Other names: c.-36C>T (NM_001190720.3); c.24-1471C>T (NM_001242778.2); short protein forms R53W.
Identifiers: ClinVar variation 3604136 (VCV003604136.2).

ClinVar aggregate classification (germline): Uncertain significance (1 of 4 stars; one submission).

Conditions:
Severe combined immunodeficiency due to IKK2 deficiency. Also called: Immunodeficiency 15; IMMUNODEFICIENCY 15B. Identifiers: Orphanet 397787, MedGen C4747743, MONDO:0014267, OMIM 615592.

gnomAD v4.1: 3 of 1,611,318 alleles (0.00019%); highest among the groups gnomAD compares: Non-Finnish European, 0.00025%; no homozygotes.

Submission:

Labcorp Genetics (formerly Invitae), Labcorp
Classification: Uncertain significance for Severe combined immunodeficiency due to IKK2 deficiency. Last evaluated: 2024-03-28. Review status: criteria provided, single submitter. Criteria: Invitae Variant Classification Sherloc (09022015). Collection method: clinical testing. Allele origin: germline.
Comment: This sequence change replaces arginine, which is basic and polar, with tryptophan, which is neutral and slightly polar, at codon 53 of the IKBKB protein (p.Arg53Trp). This variant is not present in population databases (gnomAD no frequency). This variant has not been reported in the literature in individuals affected with IKBKB-related conditions. Advanced modeling of protein sequence and biophysical properties (such as structural, functional, and spatial information, amino acid conservation, physicochemical variation, residue mobility, and thermodynamic stability) performed at Invitae indicates that this missense variant is not expected to disrupt IKBKB protein function with a negative predictive value of 95%. In summary, the available evidence is currently insufficient to determine the role of this variant in disease. Therefore, it has been classified as a Variant of Uncertain Significance.